The following is an entry in ClinVar:

ClinVar aggregate classification (germline): Pathogenic (1 of 4 stars; one submission).

Conditions:
CEP290-related ciliopathy. Also called: CEP290 ciliopathy. Identifiers: MedGen CN305601, MONDO:0100451.

Submission:

Myriad Genetics, Inc.
Classification: Pathogenic for CEP290-related ciliopathy. Last evaluated: 2025-12-22. Review status: criteria provided, single submitter. Criteria: Myriad Autosomal Dominant, Autosomal Recessive and X-Linked Classification Criteria (2023). Collection method: clinical testing. Allele origin: unknown.
Comment: NM_025114.3(CEP290):c.3488_3492del5ins34(R1163Kfs*17) is a frameshift variant classified as pathogenic in the context of CEP290-related disorders. R1163Kfs*17 has not been observed in cases with relevant disease. Relevant functional assessments of this variant are not available in the literature. R1163Kfs*17 has not been observed in referenced population frequency databases. In summary, NM_025114.3(CEP290):c.3488_3492del5ins34(R1163Kfs*17) is a frameshift variant in a gene where loss of function is a known mechanism of disease and is predicted to disrupt protein function. Please note: this variant was assessed in the context of healthy population screening.

NM_025114.4(CEP290):c.3488_3492delinsAGAATGAAATTTTGAATGCACAAATTTTGAATGC (p.Arg1163fs)

Gene: CEP290 (centrosomal protein 290; minus strand). Cytogenetic location: 12q21.32.
Variant type: Indel.
Coding change: c.3488_3492delinsAGAATGAAATTTTGAATGCACAAATTTTGAATGC on transcript NM_025114.4 (MANE Select); coding-DNA positions 3488 to 3492, the reference bases replaced by an inserted sequence.
Protein change: p.Arg1163fs; shifts the reading frame from arginine 1163.
Molecular consequence: frameshift variant.
Genome position (GRCh38, 1-based): chr12:88,090,809-88,090,813, 5 bases replaced. GRCh37 (hg19): chr12:88,484,586-88,484,590.
Other names: short protein forms R1163fs.
Identifiers: ClinVar variation 5004342 (VCV005004342.1).